The following is an entry in ClinVar:

NM_004064.5(CDKN1B):c.427G>T (p.Gly143Trp)

Gene: CDKN1B (cyclin dependent kinase inhibitor 1B; plus strand). Cytogenetic location: 12p13.1.
Variant type: single nucleotide variant.
Coding change: c.427G>T on transcript NM_004064.5 (MANE Select); coding-DNA position 427, G replaced by T.
Protein change: p.Gly143Trp; replaces glycine 143 with tryptophan.
Molecular consequence: missense variant.
Genome position (GRCh38, 1-based): chr12:12,718,266, G>T. VCF-style: chr12-12718266-G-T. GRCh37 (hg19) VCF-style: chr12-12871200-G-T.
Other names: c.427G>T (NM_004064.3); short protein forms G143W.
Identifiers: ClinVar variation 1421393 (VCV001421393.7), dbSNP rs1946499047, ClinGen allele CA383970732.
Genomic context (GRCh38, chr12:12,718,266, plus strand): 5'-GCTAACTCTGAGGACACGCATTTGGTGGACCCAAAGACTGATCCGTCGGACAGCCAGACG[G>T]GGTTAGCGGAGCAATGCGCAGGAATAAGGAAGCGACCTGCAACCGACGGTAATGACCCTT-3'
Protein context (NP_004055.1, residues 133-153): PKTDPSDSQT[Gly143Trp]LAEQCAGIRK

ClinVar aggregate classification (germline): Uncertain significance. Review status: criteria provided, multiple submitters, no conflicts (2 of 4 stars). 2 submissions from 2 submitters: Uncertain significance (2). Last evaluated 2025-12-10.

Conditions:
Multiple endocrine neoplasia type 4. Also called: MULTIPLE ENDOCRINE NEOPLASIA, TYPE IV. Identifiers: Orphanet 276152, MedGen C1970712, MONDO:0012552, OMIM 610755.
Hereditary cancer-predisposing syndrome. Also called: Hereditary neoplastic syndrome; Tumor predisposition; Hereditary Cancer Syndrome; Neoplastic Syndromes, Hereditary. Identifiers: Orphanet 140162, MedGen C0027672, MeSH D009386, MONDO:0015356.

Submissions (2):

Ambry Genetics
Classification: Uncertain significance for Hereditary cancer-predisposing syndrome. Last evaluated: 2025-12-10. Review status: criteria provided, single submitter. Criteria: Ambry Variant Classification Scheme 2023. Collection method: clinical testing. Allele origin: germline.
Comment: The p.G143W variant (also known as c.427G>T), located in coding exon 1 of the CDKN1B gene, results from a G to T substitution at nucleotide position 427. The glycine at codon 143 is replaced by tryptophan, an amino acid with highly dissimilar properties. This amino acid position is conserved. In addition, this alteration is predicted to be tolerated by in silico analysis. Based on the available evidence, the clinical significance of this variant remains unclear.

Labcorp Genetics (formerly Invitae), Labcorp
Classification: Uncertain significance for Multiple endocrine neoplasia type 4. Last evaluated: 2021-08-17. Review status: criteria provided, single submitter. Criteria: Invitae Variant Classification Sherloc (09022015). Collection method: clinical testing. Allele origin: germline.
Comment: In summary, the available evidence is currently insufficient to determine the role of this variant in disease. Therefore, it has been classified as a Variant of Uncertain Significance. Algorithms developed to predict the effect of missense changes on protein structure and function are either unavailable or do not agree on the potential impact of this missense change (SIFT: "Deleterious"; PolyPhen-2: "Possibly Damaging"; Align-GVGD: "Class C15"). This variant has not been reported in the literature in individuals affected with CDKN1B-related conditions. This variant is not present in population databases (ExAC no frequency). This sequence change replaces glycine with tryptophan at codon 143 of the CDKN1B protein (p.Gly143Trp). The glycine residue is highly conserved and there is a large physicochemical difference between glycine and tryptophan.